The following is an entry in ClinVar:

NM_002474.3(MYH11):c.4293C>T (p.Asp1431=)

Genes: MYH11 (myosin heavy chain 11; minus strand), NDE1 (nudE neurodevelopment protein 1; plus strand). Cytogenetic location: 16p13.11.
Variant type: single nucleotide variant.
Coding change: c.4293C>T on transcript NM_002474.3 (MANE Select); coding-DNA position 4293, C replaced by T.
Protein change: p.Asp1431=; no amino-acid change (aspartic acid 1431 retained).
Molecular consequence: synonymous variant.
Genome position (GRCh38, 1-based): chr16:15,724,233, G>A on the plus strand (C>T on the coding strand, the complement: MYH11 is on the minus strand). VCF-style: chr16-15724233-G-A. GRCh37 (hg19) VCF-style: chr16-15818090-G-A.
Other names: c.4314C>T, p.Asp1438= (NM_001040113.2, NM_001040114.2); c.4293C>T, p.Asp1431= (NM_022844.3); c.990G>A, p.Arg330= (NM_001143979.2, NM_017668.3).
Identifiers: ClinVar variation 318113 (VCV000318113.66), dbSNP rs143588920, ClinGen allele CA7921720.

ClinVar aggregate classification (germline): Conflicting classifications of pathogenicity. Review status: criteria provided, conflicting classifications (1 of 4 stars). 9 submissions from 9 submitters: Uncertain significance (1); Likely benign (6). 2 of the submissions do not count toward it. Last evaluated 2025-12-13.

Conditions:
Familial thoracic aortic aneurysm and aortic dissection (TAAD). Also called: Thoracic aortic aneurysms and dissections. Identifiers: Orphanet 91387, MedGen C4707243, MONDO:0019625.
Aortic aneurysm, familial thoracic 4 (AAT4). Also called: AORTIC ANEURYSM/AORTIC DISSECTION AND PATENT DUCTUS ARTERIOSUS. Identifiers: MedGen C1851504, MONDO:0007568, OMIM 132900.

Allele frequency attached by ClinVar (database versions not stated): ExAC 0.00005; gnomAD exomes 0.00005 and 0.00008; gnomAD 0.00012 and 0.00014; TOPMed 0.00015; ESP Exome Variant Server 0.00031.
gnomAD v4.1: 88 of 1,614,058 alleles (0.0055%); highest among the groups gnomAD compares: African/African-American, 0.021%; no homozygotes.

Submissions (9):

Labcorp Genetics (formerly Invitae), Labcorp
Classification: Likely benign for Aortic aneurysm, familial thoracic 4. Last evaluated: 2025-12-13. Review status: criteria provided, single submitter. Criteria: Invitae Variant Classification Sherloc (09022015). Collection method: clinical testing. Allele origin: germline.

All of Us Research Program, National Institutes of Health
Classification: Likely benign for Familial thoracic aortic aneurysm and aortic dissection. Last evaluated: 2024-01-11. Review status: criteria provided, single submitter. Criteria: ACMG Guidelines, 2015. Collection method: clinical testing. Allele origin: germline. Inheritance: Autosomal dominant inheritance. Observed: 12 variant alleles, 12 heterozygotes.
Comment: This study involves interpretation of variants in research participants for the purpose of population health screening. Participant phenotype was not available at the time of variant classification. Additional details can be found in publication PMID: 35346344, PMCID: PMC8962531

Women's Health and Genetics/Laboratory Corporation of America, LabCorp
Classification: Likely benign. Last evaluated: 2023-10-23. Review status: criteria provided, single submitter. Criteria: LabCorp Variant Classification Summary - May 2015. Collection method: clinical testing. Allele origin: germline.
Comment: Variant summary: MYH11 c.4314C>T alters a conserved nucleotide resulting in a synonymous change. Consensus agreement among computation tools predict no significant impact on normal splicing. However, these predictions have yet to be confirmed by functional studies. The variant allele was found at a frequency of 8.4e-05 in 251490 control chromosomes, predominantly at a frequency of 0.00026 within the Latino subpopulation in the gnomAD database. To our knowledge, no occurrence of c.4314C>T in individuals affected with Aortopathy and no experimental evidence demonstrating its impact on protein function have been reported. No submitters have cited clinical-significance assessments for this variant to ClinVar after 2014. Based on the evidence outlined above, the variant was classified as likely benign.

Ambry Genetics
Classification: Likely benign for Familial thoracic aortic aneurysm and aortic dissection. Last evaluated: 2022-04-04. Review status: criteria provided, single submitter. Criteria: Ambry Variant Classification Scheme 2023. Collection method: clinical testing. Allele origin: germline.

GeneDx
Classification: Likely benign. Last evaluated: 2021-02-03. Review status: criteria provided, single submitter. Criteria: GeneDx Variant Classification Process June 2021. Collection method: clinical testing. Allele origin: germline. Affected: yes.

Color Diagnostics, LLC DBA Color Health
Classification: Likely benign for Familial thoracic aortic aneurysm and aortic dissection. Last evaluated: 2018-10-21. Review status: criteria provided, single submitter. Criteria: ACMG Guidelines, 2015. Collection method: clinical testing. Allele origin: germline.

CeGaT Center for Human Genetics Tuebingen
Classification: Uncertain significance. Last evaluated: 2017-05-01. Review status: criteria provided, single submitter. Criteria: CeGaT Center For Human Genetics Tuebingen Variant Classification Criteria Version 2. Collection method: clinical testing. Allele origin: germline. Affected: yes. Observed: 1 variant allele.

Clinical Genetics DNA and cytogenetics Diagnostics Lab, Erasmus MC, Erasmus Medical Center
Classification: Likely benign. Review status: no assertion criteria provided. Collection method: clinical testing. Allele origin: germline. Affected: yes. Study: VKGL Data-share Consensus. Not counted in ClinVar's aggregate classification.

Joint Genome Diagnostic Labs from Nijmegen and Maastricht, Radboudumc and MUMC+
Classification: Likely benign. Review status: no assertion criteria provided. Collection method: clinical testing. Allele origin: germline. Affected: yes. Study: VKGL Data-share Consensus. Not counted in ClinVar's aggregate classification.